The following is an entry in ClinVar:

Conditions:
Breast-ovarian cancer, familial, susceptibility to, 1 (BROVCA1). Also called: BRCA1 Hereditary Breast and Ovarian Cancer; OVARIAN CANCER, SUSCEPTIBILITY TO. Identifiers: Orphanet 145, MedGen C2676676, MONDO:0011450, OMIM 604370. Disease mechanism: loss of function.

Submission:

Brotman Baty Institute, University of Washington
No classification provided (evidence only). Condition: Breast-ovarian cancer, familial 1. Review status: no classification provided. Collection method: in vitro. Allele origin: not applicable. Functional consequence: functionally_normal.
ClinVar note: "not provided" was previously submitted as the classification for the variant. However, the classification appeared to be based only on an observation of functional data so it was converted to no classification on 2025-07-30.

NM_007294.4(BRCA1):c.5029A>T (p.Thr1677Ser)

Gene: BRCA1 (BRCA1 DNA repair associated; minus strand). Cytogenetic location: 17q21.31.
Variant type: single nucleotide variant.
Coding change: c.5029A>T on transcript NM_007294.4 (MANE Select); coding-DNA position 5029, A replaced by T.
Protein change: p.Thr1677Ser; replaces threonine 1677 with serine.
Molecular consequence: missense variant. On other transcripts: non-coding transcript variant (1).
Genome position (GRCh38, 1-based): chr17:43,067,653, T>A on the plus strand (A>T on the coding strand, the complement: BRCA1 is on the minus strand). VCF-style: chr17-43067653-T-A. GRCh37 (hg19) VCF-style: chr17-41219670-T-A.
Other names: c.4816A>T, p.Thr1606Ser (NM_001407571.1, NM_001407894.1, NM_001407895.1 and 12 more transcripts); c.5095A>T, p.Thr1699Ser (NM_001407581.1, NM_001407582.1); c.5092A>T, p.Thr1698Ser (NM_001407583.1, NM_001407585.1, NM_001407587.1 and 1 more transcripts); c.5089A>T, p.Thr1697Ser (NM_001407590.1, NM_001407591.1); c.5029A>T, p.Thr1677Ser (NM_001407593.1, NM_001407594.1, NM_001407596.1 and 8 more transcripts); c.5026A>T, p.Thr1676Ser (NM_001407617.1, NM_001407618.1, NM_001407619.1 and 17 more transcripts); c.5023A>T, p.Thr1675Ser (NM_001407636.1, NM_001407637.1, NM_001407638.1 and 14 more transcripts); c.5020A>T, p.Thr1674Ser (NM_001407644.1, NM_001407645.1); and 70 more; short protein forms T1677S, T573S, T1630S, T1698S, T1381S, T1550S, T1587S, T1649S.
Identifiers: ClinVar variation 868941 (VCV000868941.3), dbSNP rs2052175330, ClinGen allele CA10591457.
Genomic context (GRCh38, chr17:43,067,653, plus strand): 5'-AGGTTCTTGGTATACCTGTTTTCATAACAACATGAGTAGTCTCTTCAGTAATTAGATTAG[T>A]TAAAGTGATGTGGTGTTTTCTGGCAAACTTGTACACGAGCATCTGAAATTAAATCAAATA-3'
Protein context (NP_009225.1, residues 1667-1687): KFARKHHITL[Thr1677Ser]NLITEETTHV